The following is an entry in ClinVar:

NM_004036.5(ADCY3):c.624C>T (p.Thr208=)

Gene: ADCY3 (adenylate cyclase 3; minus strand). Cytogenetic location: 2p23.3.
Variant type: single nucleotide variant.
Coding change: c.624C>T on transcript NM_004036.5 (MANE Select); coding-DNA position 624, C replaced by T.
Protein change: p.Thr208=; no amino-acid change (threonine 208 retained).
Molecular consequence: synonymous variant.
Genome position (GRCh38, 1-based): chr2:24,918,364, G>A on the plus strand (C>T on the coding strand, the complement: ADCY3 is on the minus strand). VCF-style: chr2-24918364-G-A. GRCh37 (hg19) VCF-style: chr2-25141233-G-A.
Other names: c.624C>T, p.Thr208= (NM_001320613.2, NM_001377128.1, NM_001377129.1 and 2 more transcripts).
Identifiers: ClinVar variation 3051493 (VCV003051493.2), dbSNP rs761801252, ClinGen allele CA1554468.

ClinVar aggregate classification (germline): Likely benign (0 of 4 stars; one submission).

Conditions:
ADCY3-related disorder. Also called: ADCY3-related condition.

Allele frequency attached by ClinVar (database versions not stated): TOPMed below 0.00001; ExAC 0.00001; gnomAD 0.00002.
gnomAD v4.1: 9 of 1,604,044 alleles (0.00056%); highest among the groups gnomAD compares: African/African-American, 0.0027%; no homozygotes.

Submission:

PreventionGenetics, part of Exact Sciences
Classification: Likely benign for ADCY3-related condition. Last evaluated: 2020-01-27. Review status: no assertion criteria provided. Collection method: clinical testing. Allele origin: germline.
Comment: This variant is classified as likely benign based on ACMG/AMP sequence variant interpretation guidelines (Richards et al. 2015 PMID: 25741868, with internal and published modifications).